The following is an entry in ClinVar:

NM_000038.6(APC):c.1335G>T (p.Gln445His)

Gene: APC (APC regulator of Wnt signaling pathway; plus strand). Cytogenetic location: 5q22.2.
Variant type: single nucleotide variant.
Coding change: c.1335G>T on transcript NM_000038.6 (MANE Select); coding-DNA position 1335, G replaced by T.
Protein change: p.Gln445His; replaces glutamine 445 with histidine.
Molecular consequence: missense variant.
Genome position (GRCh38, 1-based): chr5:112,821,918, G>T. VCF-style: chr5-112821918-G-T. GRCh37 (hg19) VCF-style: chr5-112157615-G-T.
Other names: c.1335G>T, p.Gln445His (NM_001127510.3, NM_001354895.2, NM_001354896.2); c.1281G>T, p.Gln427His (NM_001127511.3); c.1365G>T, p.Gln455His (NM_001354897.2); c.1260G>T, p.Gln420His (NM_001354898.2); c.1251G>T, p.Gln417His (NM_001354899.2); c.1158G>T, p.Gln386His (NM_001354900.2, NM_001354901.2); c.1062G>T, p.Gln354His (NM_001354902.2); c.1032G>T, p.Gln344His (NM_001354903.2); and 3 more; short protein forms Q285H, Q344H, Q420H, Q427H, Q445H, Q162H, Q319H, Q354H.
Identifiers: ClinVar variation 937461 (VCV000937461.12), dbSNP rs1334951365, ClinGen allele CA16024228.

ClinVar aggregate classification (germline): Uncertain significance. Review status: criteria provided, multiple submitters, no conflicts (2 of 4 stars). 3 submissions from 3 submitters: Uncertain significance (3). Last evaluated 2025-11-20.

Conditions:
Hereditary cancer-predisposing syndrome. Also called: Tumor predisposition; Hereditary neoplastic syndrome; Hereditary Cancer Syndrome; Neoplastic Syndromes, Hereditary. Identifiers: Orphanet 140162, MedGen C0027672, MeSH D009386, MONDO:0015356.
Familial adenomatous polyposis 1 (FAP1). Also called: POLYPOSIS, ADENOMATOUS INTESTINAL; FAMILIAL ADENOMATOUS POLYPOSIS 1, ATTENUATED. Identifiers: MedGen C2713442, MONDO:0021056, OMIM 175100. Disease mechanism: loss of function.

Allele frequency attached by ClinVar (database versions not stated): gnomAD 0.00001; TOPMed 0.00001.
gnomAD v4.1: 1 of 1,613,132 alleles (0.000062%); highest among the groups gnomAD compares: African/African-American, 0.0013%; no homozygotes.

Submissions (3):

Ambry Genetics
Classification: Uncertain significance for Hereditary cancer-predisposing syndrome. Last evaluated: 2025-11-20. Review status: criteria provided, single submitter. Criteria: Ambry Variant Classification Scheme 2023. Collection method: clinical testing. Allele origin: germline.
Comment: The p.Q445H variant (also known as c.1335G>T), located in coding exon 10 of the APC gene, results from a G to T substitution at nucleotide position 1335. The glutamine at codon 445 is replaced by histidine, an amino acid with highly similar properties. This amino acid position is conserved. In addition, in silico predictors for this gene do not accurately predict pathogenicity. Based on the available evidence, the clinical significance of this variant remains unclear.

Color Diagnostics, LLC DBA Color Health
Classification: Uncertain significance for Hereditary cancer-predisposing syndrome. Last evaluated: 2024-03-07. Review status: criteria provided, single submitter. Criteria: ACMG Guidelines, 2015. Collection method: clinical testing. Allele origin: germline.
Comment: This missense variant replaces glutamine with histidine at codon 445 of the APC protein. Computational prediction suggests that this variant may not impact protein structure and function (internally defined REVEL score threshold <= 0.5, PMID: 27666373). To our knowledge, functional studies have not been reported for this variant. This variant has not been reported in individuals affected with hereditary cancer in the literature. This variant has not been identified in the general population by the Genome Aggregation Database (gnomAD). The available evidence is insufficient to determine the role of this variant in disease conclusively. Therefore, this variant is classified as a Variant of Uncertain Significance.

Labcorp Genetics (formerly Invitae), Labcorp
Classification: Uncertain significance for Familial adenomatous polyposis 1. Last evaluated: 2021-12-03. Review status: criteria provided, single submitter. Criteria: Invitae Variant Classification Sherloc (09022015). Collection method: clinical testing. Allele origin: germline.
Comment: In summary, the available evidence is currently insufficient to determine the role of this variant in disease. Therefore, it has been classified as a Variant of Uncertain Significance. Algorithms developed to predict the effect of missense changes on protein structure and function are either unavailable or do not agree on the potential impact of this missense change (SIFT: "Deleterious"; PolyPhen-2: "Benign"; Align-GVGD: "Class C0"). ClinVar contains an entry for this variant (Variation ID: 937461). This variant has not been reported in the literature in individuals affected with APC-related conditions. This variant is not present in population databases (gnomAD no frequency). This sequence change replaces glutamine, which is neutral and polar, with histidine, which is basic and polar, at codon 445 of the APC protein (p.Gln445His).